The following is an entry in ClinVar:

NM_000482.4(APOA4):c.629T>A (p.Val210Asp)

Gene: APOA4 (apolipoprotein A4; minus strand). Cytogenetic location: 11q23.3.
Variant type: single nucleotide variant.
Coding change: c.629T>A on transcript NM_000482.4 (MANE Select); coding-DNA position 629, T replaced by A.
Protein change: p.Val210Asp; replaces valine 210 with aspartic acid.
Molecular consequence: missense variant.
Genome position (GRCh38, 1-based): chr11:116,821,429, A>T on the plus strand (T>A on the coding strand, the complement: APOA4 is on the minus strand). VCF-style: chr11-116821429-A-T. GRCh37 (hg19) VCF-style: chr11-116692145-A-T.
Other names: c.629T>A (NM_000482.3); short protein forms V210D.
Identifiers: ClinVar variation 3622471 (VCV003622471.3).

ClinVar aggregate classification (germline): Uncertain significance. Review status: criteria provided, multiple submitters, no conflicts (2 of 4 stars). 2 submissions from 2 submitters: Uncertain significance (2). Last evaluated 2025-09-11.

gnomAD v4.1: 3 of 1,613,840 alleles (0.00019%); highest among the groups gnomAD compares: African/African-American, 0.004%; no homozygotes.

Submissions (2):

Ambry Genetics
Classification: Uncertain significance. Last evaluated: 2025-09-11. Review status: criteria provided, single submitter. Criteria: Ambry Variant Classification Scheme 2023. Collection method: clinical testing. Allele origin: germline.

Labcorp Genetics (formerly Invitae), Labcorp
Classification: Uncertain significance. Last evaluated: 2025-07-14. Review status: criteria provided, single submitter. Criteria: Invitae Variant Classification Sherloc (09022015). Collection method: clinical testing. Allele origin: germline.
Comment: This sequence change replaces valine, which is neutral and non-polar, with aspartic acid, which is acidic and polar, at codon 210 of the APOA4 protein (p.Val210Asp). This variant is present in population databases (no rsID available, gnomAD 0.01%). This variant has not been reported in the literature in individuals affected with APOA4-related conditions. ClinVar contains an entry for this variant (Variation ID: 3622471). Invitae Evidence Modeling of protein sequence and biophysical properties (such as structural, functional, and spatial information, amino acid conservation, physicochemical variation, residue mobility, and thermodynamic stability) indicates that this missense variant is not expected to disrupt APOA4 protein function with a negative predictive value of 80%. In summary, the available evidence is currently insufficient to determine the role of this variant in disease. Therefore, it has been classified as a Variant of Uncertain Significance.